The following is an entry in ClinVar:

ClinVar aggregate classification (germline): Likely benign. Review status: criteria provided, multiple submitters, no conflicts (2 of 4 stars). 3 submissions from 3 submitters: Likely benign (3). Last evaluated 2025-10-03.

Conditions:
Long chain 3-hydroxyacyl-CoA dehydrogenase deficiency. Also called: LCHAD Deficiency; Deficiency of long-chain 3-hydroxyacyl-coenzyme A dehydrogenase. Identifiers: Orphanet 5, MedGen C3711645, MONDO:0012173, OMIM 609016.
Mitochondrial trifunctional protein deficiency. Identifiers: Orphanet 746, MedGen C1969443, MONDO:0012172.

Allele frequency attached by ClinVar (database versions not stated): gnomAD exomes 0.00002 and 0.00005; ExAC 0.00003; TOPMed 0.00003; gnomAD 0.00009; ESP Exome Variant Server 0.00023.
gnomAD v4.1: 56 of 1,092,994 alleles (0.0051%); highest among the groups gnomAD compares: Non-Finnish European, 0.0075%; no homozygotes.

Submissions (3):

Labcorp Genetics (formerly Invitae), Labcorp
Classification: Likely benign for Mitochondrial trifunctional protein deficiency; Long chain 3-hydroxyacyl-CoA dehydrogenase deficiency. Last evaluated: 2025-10-03. Review status: criteria provided, single submitter. Criteria: Invitae Variant Classification Sherloc (09022015). Collection method: clinical testing. Allele origin: germline.

Blueprint Genetics
Classification: Likely benign. Last evaluated: 2024-10-17. Review status: criteria provided, single submitter. Criteria: ACMG Guidelines, 2015. Collection method: clinical testing. Allele origin: germline.

GeneDx
Classification: Likely benign. Last evaluated: 2016-03-11. Review status: criteria provided, single submitter. Criteria: GeneDx Variant Classification (06012015). Collection method: clinical testing. Allele origin: germline. Affected: yes.
Comment: This variant is considered likely benign or benign based on one or more of the following criteria: it is a conservative change, it occurs at a poorly conserved position in the protein, it is predicted to be benign by multiple in silico algorithms, and/or has population frequency not consistent with disease.

NM_000182.5(HADHA):c.918+19T>C

Gene: HADHA (hydroxyacyl-CoA dehydrogenase trifunctional multienzyme complex subunit alpha; minus strand). Cytogenetic location: 2p23.3.
Variant type: single nucleotide variant.
Coding change: c.918+19T>C on transcript NM_000182.5 (MANE Select); 19 bases into the intron after coding-DNA position 918, T replaced by C.
Molecular consequence: intron variant.
Genome position (GRCh38, 1-based): chr2:26,214,424, A>G on the plus strand (T>C on the coding strand, the complement: HADHA is on the minus strand). VCF-style: chr2-26214424-A-G. GRCh37 (hg19) VCF-style: chr2-26437293-A-G.
Identifiers: ClinVar variation 383913 (VCV000383913.10), dbSNP rs372010520, ClinGen allele CA1559750.